The following is an entry in ClinVar:

NM_033305.3(VPS13A):c.5786A>G (p.Asn1929Ser)

Gene: VPS13A (vacuolar protein sorting 13 homolog A; plus strand). Cytogenetic location: 9q21.2.
Variant type: single nucleotide variant.
Coding change: c.5786A>G on transcript NM_033305.3 (MANE Select); coding-DNA position 5786, A replaced by G.
Protein change: p.Asn1929Ser; replaces asparagine 1929 with serine.
Molecular consequence: missense variant.
Genome position (GRCh38, 1-based): chr9:77,321,702, A>G. VCF-style: chr9-77321702-A-G. GRCh37 (hg19) VCF-style: chr9-79936618-A-G.
Other names: p.Asn1929Ser; c.5669A>G, p.Asn1890Ser (NM_001018037.2); c.5786A>G, p.Asn1929Ser (NM_001018038.3, NM_015186.4); short protein forms N1929S, N1890S.
Identifiers: ClinVar variation 367392 (VCV000367392.23), dbSNP rs748876393, ClinGen allele CA5092850.

ClinVar aggregate classification (germline): Conflicting classifications of pathogenicity. Review status: criteria provided, conflicting classifications (1 of 4 stars). 6 submissions from 6 submitters: Uncertain significance (2); Likely benign (3). 1 of the submissions does not count toward it. Last evaluated 2026-01-11.

Conditions:
Inborn genetic diseases. Identifiers: MedGen C0950123, MeSH D030342.
VPS13A-related neurodegenerative disease. Also called: Choreoacanthocytosis; Chorea-acanthocytosis; LEVINE-CRITCHLEY SYNDROME; Choreaacanthocytosis; ACANTHOCYTOSIS WITH NEUROLOGIC DISORDER; VPS13A Disease. Identifiers: Orphanet 2388, MedGen C0393576, MONDO:0008695, OMIM 200150.

Allele frequency attached by ClinVar (database versions not stated): gnomAD 0.00008; gnomAD exomes 0.00009 and 0.00016; ExAC 0.00010; TOPMed 0.00012.
gnomAD v4.1: 159 of 1,613,186 alleles (0.0099%); highest among the groups gnomAD compares: Admixed American, 0.0033%; no homozygotes.

Submissions (6):

Labcorp Genetics (formerly Invitae), Labcorp
Classification: Likely benign. Last evaluated: 2026-01-11. Review status: criteria provided, single submitter. Criteria: Invitae Variant Classification Sherloc (09022015). Collection method: clinical testing. Allele origin: germline.

Mayo Clinic Laboratories, Mayo Clinic
Classification: Likely benign. Last evaluated: 2025-10-07. Review status: criteria provided, single submitter. Criteria: ACMG Guidelines, 2015. Collection method: clinical testing. Allele origin: germline. Observed: 1 variant allele.
Comment: BS1, BP4_moderate

GeneDx
Classification: Uncertain significance. Last evaluated: 2024-11-25. Review status: criteria provided, single submitter. Criteria: GeneDx Variant Classification Process June 2021. Collection method: clinical testing. Allele origin: germline. Affected: yes.
Comment: In silico analysis indicates that this missense variant does not alter protein structure/function; Has not been previously published as pathogenic or benign to our knowledge

Ambry Genetics
Classification: Likely benign for Inborn genetic diseases. Last evaluated: 2021-10-21. Review status: criteria provided, single submitter. Criteria: Ambry Variant Classification Scheme 2023. Collection method: clinical testing. Allele origin: germline.

Illumina Laboratory Services, Illumina
Classification: Uncertain significance for VPS13A-related neurodegenerative disease. Last evaluated: 2018-01-13. Review status: criteria provided, single submitter. Criteria: ICSL Variant Classification Criteria 13 December 2019. Collection method: clinical testing. Allele origin: germline.

Natera, Inc.
Classification: Likely benign for Choreaacanthocytosis. Last evaluated: 2020-01-16. Review status: no assertion criteria provided. Collection method: clinical testing. Allele origin: germline. Not counted in ClinVar's aggregate classification.